The following is an entry in ClinVar:

ClinVar aggregate classification (germline): Pathogenic (1 of 4 stars; one submission).

Conditions:
CHARGE syndrome (CHARGE). Also called: Hittner Hirsch Kreh syndrome; CHARGE ASSOCIATION--COLOBOMA, HEART ANOMALY, CHOANAL ATRESIA, RETARDATION, GENITAL AND EAR ANOMALIES; Coloboma, heart anomaly, choanal atresia, retardation, genital and ear anomalies; CHARGE association; Hall-Hittner syndrome. Identifiers: Orphanet 138, MedGen C0265354, MONDO:0008965.

Submission:

Labcorp Genetics (formerly Invitae), Labcorp
Classification: Pathogenic for CHARGE syndrome. Last evaluated: 2023-05-11. Review status: criteria provided, single submitter. Criteria: Invitae Variant Classification Sherloc (09022015). Collection method: clinical testing. Allele origin: germline.
Comment: For these reasons, this variant has been classified as Pathogenic. Algorithms developed to predict the effect of sequence changes on RNA splicing suggest that this variant may disrupt the consensus splice site. Disruption of this splice site has been observed in individuals with CHARGE syndrome (PMID: 29178447; Invitae). This variant is not present in population databases (gnomAD no frequency). This sequence change affects an acceptor splice site in intron 20 of the CHD7 gene. It is expected to disrupt RNA splicing. Variants that disrupt the donor or acceptor splice site typically lead to a loss of protein function (PMID: 16199547), and loss-of-function variants in CHD7 are known to be pathogenic (PMID: 22461308, 25077900).

Literature cited by the submitters: PubMed 29178447; PubMed 16199547; PubMed 22461308; PubMed 25077900.

NM_017780.4(CHD7):c.4645-1G>A

Gene: CHD7 (chromodomain helicase DNA binding protein 7; plus strand). Cytogenetic location: 8q12.2.
Variant type: single nucleotide variant.
Coding change: c.4645-1G>A on transcript NM_017780.4 (MANE Select); the canonical splice acceptor site of the intron before coding-DNA position 4645, G replaced by A.
Molecular consequence: splice acceptor variant. On other transcripts: intron variant (1).
Genome position (GRCh38, 1-based): chr8:60,841,846, G>A. VCF-style: chr8-60841846-G-A. GRCh37 (hg19) VCF-style: chr8-61754405-G-A.
Other names: c.1717-20383G>A (NM_001316690.1).
Identifiers: ClinVar variation 2863265 (VCV002863265.3), dbSNP rs2487945576, ClinGen allele CA371318886.
Genomic context (GRCh38, chr8:60,841,846, plus strand): 5'-TGATCTAAACCAAGAGCCACTCTTTGAGAAATGTCAAATGTATCTCCTCTTTTATTATTA[G>A]AACAACCTGGTTATTGATACTCCAAGAGTGAGAAAGCAGACCAGGCTCTACAGTGCAGTG-3'